The following is an entry in ClinVar:

NM_032409.3(PINK1):c.1026G>A (p.Met342Ile)

Genes: PINK1-AS (PINK1 antisense RNA; minus strand), PINK1 (PTEN induced kinase 1; plus strand). Cytogenetic location: 1p36.12.
Variant type: single nucleotide variant.
Coding change: c.1026G>A on transcript NM_032409.3 (MANE Select); coding-DNA position 1026, G replaced by A.
Protein change: p.Met342Ile; replaces methionine 342 with isoleucine.
Molecular consequence: missense variant. On other transcripts: non-coding transcript variant (1).
Genome position (GRCh38, 1-based): chr1:20,645,626, G>A. VCF-style: chr1-20645626-G-A. GRCh37 (hg19) VCF-style: chr1-20972119-G-A.
Other names: short protein forms M342I.
Identifiers: ClinVar variation 3664997 (VCV003664997.2).
Genomic context (GRCh38, chr1:20,645,626, plus strand): 5'-CTGTACCCTGCGCCAGTACCTTTGTGTGAACACACCCAGCCCCCGCCTCGCCGCCATGAT[G>A]CTGCTGCAGCTGCTGGAAGGCGTGGACCATCTGGTTCAACAGGGCATCGCGCACAGAGAC-3'
Protein context (NP_115785.1, residues 332-352): NTPSPRLAAM[Met342Ile]LLQLLEGVDH

ClinVar aggregate classification (germline): Uncertain significance (1 of 4 stars; one submission).

Conditions:
Autosomal recessive early-onset Parkinson disease 6 (PARK6). Also called: PARKINSON DISEASE 6, EARLY-ONSET; PARKINSON DISEASE 6, MODIFIER OF; PINK1 Type of Young-Onset Parkinson Disease; PINK1-Related Parkinson Disease. Identifiers: Orphanet 2828, MedGen C1853833, MONDO:0011613, OMIM 605909.

gnomAD v4.1: 21 of 1,614,078 alleles (0.0013%); highest among the groups gnomAD compares: Non-Finnish European, 0.0018%; no homozygotes.

Submission:

Labcorp Genetics (formerly Invitae), Labcorp
Classification: Uncertain significance for Autosomal recessive early-onset Parkinson disease 6. Last evaluated: 2024-09-27. Review status: criteria provided, single submitter. Criteria: Invitae Variant Classification Sherloc (09022015). Collection method: clinical testing. Allele origin: germline.
Comment: This sequence change replaces methionine, which is neutral and non-polar, with isoleucine, which is neutral and non-polar, at codon 342 of the PINK1 protein (p.Met342Ile). This variant is not present in population databases (gnomAD no frequency). This missense change has been observed in individual(s) with Parkinson disease (PMID: 19405094). Invitae Evidence Modeling of protein sequence and biophysical properties (such as structural, functional, and spatial information, amino acid conservation, physicochemical variation, residue mobility, and thermodynamic stability) indicates that this missense variant is not expected to disrupt PINK1 protein function with a negative predictive value of 80%. In summary, the available evidence is currently insufficient to determine the role of this variant in disease. Therefore, it has been classified as a Variant of Uncertain Significance.

Literature cited by the submitters: PubMed 19405094.